The following is an entry in ClinVar:

ClinVar aggregate classification (germline): Uncertain significance (1 of 4 stars; one submission).

Submission:

Labcorp Genetics (formerly Invitae), Labcorp
Classification: Uncertain significance. Last evaluated: 2025-01-02. Review status: criteria provided, single submitter. Criteria: Invitae Variant Classification Sherloc (09022015). Collection method: clinical testing. Allele origin: germline.
Comment: This sequence change replaces methionine, which is neutral and non-polar, with isoleucine, which is neutral and non-polar, at codon 524 of the OPHN1 protein (p.Met524Ile). This variant is not present in population databases (gnomAD no frequency). This variant has not been reported in the literature in individuals affected with OPHN1-related conditions. An algorithm developed to predict the effect of missense changes on protein structure and function (PolyPhen-2) suggests that this variant is likely to be disruptive. In summary, the available evidence is currently insufficient to determine the role of this variant in disease. Therefore, it has been classified as a Variant of Uncertain Significance.

NM_002547.3(OPHN1):c.1572G>A (p.Met524Ile)

Gene: OPHN1 (oligophrenin 1; minus strand). Cytogenetic location: Xq12.
Variant type: single nucleotide variant.
Coding change: c.1572G>A on transcript NM_002547.3 (MANE Select); coding-DNA position 1572, G replaced by A.
Protein change: p.Met524Ile; replaces methionine 524 with isoleucine.
Molecular consequence: missense variant.
Genome position (GRCh38, 1-based): chrX:68,096,984, C>T on the plus strand (G>A on the coding strand, the complement: OPHN1 is on the minus strand). VCF-style: chrX-68096984-C-T. GRCh37 (hg19) VCF-style: chrX-67316826-C-T.
Other names: short protein forms M524I.
Identifiers: ClinVar variation 3727815 (VCV003727815.2).